The following is an entry in ClinVar:

NM_005732.4(RAD50):c.2804C>G (p.Thr935Arg)

Gene: RAD50 (RAD50 double strand break repair protein; plus strand). Cytogenetic location: 5q31.1.
Variant type: single nucleotide variant.
Coding change: c.2804C>G on transcript NM_005732.4 (MANE Select); coding-DNA position 2804, C replaced by G.
Protein change: p.Thr935Arg; replaces threonine 935 with arginine.
Molecular consequence: missense variant.
Genome position (GRCh38, 1-based): chr5:132,608,700, C>G. VCF-style: chr5-132608700-C-G. GRCh37 (hg19) VCF-style: chr5-131944392-C-G.
Other names: short protein forms T935R.
Identifiers: ClinVar variation 2451411 (VCV002451411.2), dbSNP rs977809879, ClinGen allele CA360959106.

ClinVar aggregate classification (germline): Uncertain significance (1 of 4 stars; one submission).

Conditions:
Hereditary cancer-predisposing syndrome. Also called: Neoplastic Syndromes, Hereditary; Tumor predisposition; Hereditary neoplastic syndrome; Hereditary Cancer Syndrome. Identifiers: Orphanet 140162, MedGen C0027672, MeSH D009386, MONDO:0015356.

Submission:

Ambry Genetics
Classification: Uncertain significance for Hereditary cancer-predisposing syndrome. Last evaluated: 2022-12-14. Review status: criteria provided, single submitter. Criteria: Ambry Variant Classification Scheme 2023. Collection method: clinical testing. Allele origin: germline.
Comment: The p.T935R variant (also known as c.2804C>G), located in coding exon 17 of the RAD50 gene, results from a C to G substitution at nucleotide position 2804. The threonine at codon 935 is replaced by arginine, an amino acid with similar properties. This amino acid position is conserved. In addition, this alteration is predicted to be tolerated by in silico analysis. Since supporting evidence is limited at this time, the clinical significance of this alteration remains unclear.